The following is an entry in ClinVar:

ClinVar aggregate classification (germline): Uncertain significance (1 of 4 stars; one submission).

Allele frequency attached by ClinVar (database versions not stated): gnomAD 0.00001; TOPMed 0.00001; gnomAD exomes 0.00002.
gnomAD v4.1: 25 of 1,613,712 alleles (0.0015%); highest among the groups gnomAD compares: South Asian, 0.0033%; no homozygotes.

Submission:

Labcorp Genetics (formerly Invitae), Labcorp
Classification: Uncertain significance. Last evaluated: 2024-10-17. Review status: criteria provided, single submitter. Criteria: Invitae Variant Classification Sherloc (09022015). Collection method: clinical testing. Allele origin: germline.
Comment: This sequence change replaces serine, which is neutral and polar, with leucine, which is neutral and non-polar, at codon 961 of the JAK1 protein (p.Ser961Leu). This variant is present in population databases (no rsID available, gnomAD 0.004%). This variant has not been reported in the literature in individuals affected with JAK1-related conditions. Invitae Evidence Modeling of protein sequence and biophysical properties (such as structural, functional, and spatial information, amino acid conservation, physicochemical variation, residue mobility, and thermodynamic stability) indicates that this missense variant is not expected to disrupt JAK1 protein function with a negative predictive value of 80%. In summary, the available evidence is currently insufficient to determine the role of this variant in disease. Therefore, it has been classified as a Variant of Uncertain Significance.

NM_002227.4(JAK1):c.2882C>T (p.Ser961Leu)

Gene: JAK1 (Janus kinase 1; minus strand). Cytogenetic location: 1p31.3.
Variant type: single nucleotide variant.
Coding change: c.2882C>T on transcript NM_002227.4 (MANE Select); coding-DNA position 2882, C replaced by T.
Protein change: p.Ser961Leu; replaces serine 961 with leucine.
Molecular consequence: missense variant.
Genome position (GRCh38, 1-based): chr1:64,838,550, G>A on the plus strand (C>T on the coding strand, the complement: JAK1 is on the minus strand). VCF-style: chr1-64838550-G-A. GRCh37 (hg19) VCF-style: chr1-65304233-G-A.
Other names: c.2882C>T, p.Ser961Leu (NM_001321853.2, NM_001321854.2, NM_001320923.2 and 3 more transcripts); c.2879C>T, p.Ser960Leu (NM_001321857.2); short protein forms S960L, S961L.
Identifiers: ClinVar variation 2972622 (VCV002972622.3), dbSNP rs1163790865, ClinGen allele CA340663846.